The following is an entry in ClinVar:

NM_001778.4(CD48):c.647C>T (p.Thr216Ile)

Gene: CD48 (CD48 molecule; minus strand). Cytogenetic location: 1q23.3.
Variant type: single nucleotide variant.
Coding change: c.647C>T on transcript NM_001778.4 (MANE Select); coding-DNA position 647, C replaced by T.
Protein change: p.Thr216Ile; replaces threonine 216 with isoleucine.
Molecular consequence: missense variant.
Genome position (GRCh38, 1-based): chr1:160,681,207, G>A on the plus strand (C>T on the coding strand, the complement: CD48 is on the minus strand). VCF-style: chr1-160681207-G-A. GRCh37 (hg19) VCF-style: chr1-160650997-G-A.
Other names: p.Thr216Ile; c.647C>T, p.Thr216Ile (NM_001256030.2); short protein forms T216I.
Identifiers: ClinVar variation 4222940 (VCV004222940.2).

ClinVar aggregate classification (germline): Uncertain significance. Review status: criteria provided, multiple submitters, no conflicts (2 of 4 stars). 2 submissions from 2 submitters: Uncertain significance (2). Last evaluated 2025-08-20.

gnomAD v4.1: 122 of 1,614,110 alleles (0.0076%); highest among the groups gnomAD compares: African/African-American, 0.15%; no homozygotes.

Submissions (2):

Ambry Genetics
Classification: Uncertain significance. Last evaluated: 2025-08-20. Review status: criteria provided, single submitter. Criteria: Ambry Variant Classification Scheme 2023. Collection method: clinical testing. Allele origin: germline.

Mayo Clinic Laboratories, Mayo Clinic
Classification: Uncertain significance. Last evaluated: 2025-07-26. Review status: criteria provided, single submitter. Criteria: ACMG Guidelines, 2015. Collection method: clinical testing. Allele origin: germline. Observed: 1 variant allele.
Comment: BP4_moderate